The following is an entry in ClinVar:

ClinVar aggregate classification (germline): Uncertain significance. Review status: criteria provided, multiple submitters, no conflicts (2 of 4 stars). 2 submissions from 2 submitters: Uncertain significance (2). Last evaluated 2025-11-24.

Conditions:
Idiopathic Pulmonary Fibrosis. Also called: Idiopathic fibrosing alveolitis, chronic form; idiopathic fibrosing alveolitis. Identifiers: Orphanet 2032, MedGen C1800706, MeSH D054990, MONDO:0800504.
Dyskeratosis congenita, autosomal dominant 2. Identifiers: MedGen C3151443, MONDO:0013521, OMIM 613989.
Dyskeratosis congenita. Identifiers: Orphanet 1775, MedGen C0265965, MONDO:0015780.

Allele frequency attached by ClinVar (database versions not stated): TOPMed 0.00001.
gnomAD v4.1: 2 of 1,581,576 alleles (0.00013%); highest among the groups gnomAD compares: Non-Finnish European, 0.00017%; no homozygotes.

Submissions (2):

Ambry Genetics
Classification: Uncertain significance for Dyskeratosis congenita. Last evaluated: 2025-11-24. Review status: criteria provided, single submitter. Criteria: Ambry Variant Classification Scheme 2023. Collection method: clinical testing. Allele origin: germline.
Comment: The p.E247Q variant (also known as c.739G>C), located in coding exon 2 of the TERT gene, results from a G to C substitution at nucleotide position 739. The glutamic acid at codon 247 is replaced by glutamine, an amino acid with highly similar properties. This amino acid position is not well conserved in available vertebrate species. In addition, this alteration is predicted to be tolerated by in silico analysis. Based on the available evidence, the clinical significance of this variant remains unclear.

Labcorp Genetics (formerly Invitae), Labcorp
Classification: Uncertain significance for Dyskeratosis congenita, autosomal dominant 2; Idiopathic Pulmonary Fibrosis. Last evaluated: 2025-10-29. Review status: criteria provided, single submitter. Criteria: Invitae Variant Classification Sherloc (09022015). Collection method: clinical testing. Allele origin: germline.
Comment: This sequence change replaces glutamic acid, which is acidic and polar, with glutamine, which is neutral and polar, at codon 247 of the TERT protein (p.Glu247Gln). This variant is not present in population databases (gnomAD no frequency). This variant has not been reported in the literature in individuals affected with TERT-related conditions. ClinVar contains an entry for this variant (Variation ID: 642465). Invitae Evidence Modeling of protein sequence and biophysical properties (such as structural, functional, and spatial information, amino acid conservation, physicochemical variation, residue mobility, and thermodynamic stability) indicates that this missense variant is not expected to disrupt TERT protein function with a negative predictive value of 95%. In summary, the available evidence is currently insufficient to determine the role of this variant in disease. Therefore, it has been classified as a Variant of Uncertain Significance.

NM_198253.3(TERT):c.739G>C (p.Glu247Gln)

Gene: TERT (telomerase reverse transcriptase; minus strand). Cytogenetic location: 5p15.33.
Variant type: single nucleotide variant.
Coding change: c.739G>C on transcript NM_198253.3 (MANE Select); coding-DNA position 739, G replaced by C.
Protein change: p.Glu247Gln; replaces glutamic acid 247 with glutamine.
Molecular consequence: missense variant. On other transcripts: non-coding transcript variant (2).
Genome position (GRCh38, 1-based): chr5:1,294,147, C>G on the plus strand (G>C on the coding strand, the complement: TERT is on the minus strand). VCF-style: chr5-1294147-C-G. GRCh37 (hg19) VCF-style: chr5-1294262-C-G.
Other names: c.739G>C, p.Glu247Gln (NM_001193376.3); short protein forms E247Q.
Identifiers: ClinVar variation 642465 (VCV000642465.12), dbSNP rs1403395035, ClinGen allele CA359056922.